The following is an entry in ClinVar:

NM_024101.7(MLPH):c.132G>A (p.Lys44=)

Gene: MLPH (melanophilin; plus strand). Cytogenetic location: 2q37.3.
Variant type: single nucleotide variant.
Coding change: c.132G>A on transcript NM_024101.7 (MANE Select); coding-DNA position 132, G replaced by A.
Protein change: p.Lys44=; no amino-acid change (lysine 44 retained).
Molecular consequence: synonymous variant. On other transcripts: non-coding transcript variant (1).
Genome position (GRCh38, 1-based): chr2:237,510,595, G>A. VCF-style: chr2-237510595-G-A. GRCh37 (hg19) VCF-style: chr2-238419238-G-A.
Other names: c.132G>A, p.Lys44= (NM_001042467.3, NM_001281473.2, NM_001281474.2).
Identifiers: ClinVar variation 778284 (VCV000778284.13), dbSNP rs145091337, ClinGen allele CA2190076.

ClinVar aggregate classification (germline): Benign. Review status: criteria provided, multiple submitters, no conflicts (2 of 4 stars). 3 submissions from 3 submitters: Benign (2). 1 of the submissions does not count toward it. Last evaluated 2026-01-12.

Conditions:
MLPH-related disorder. Also called: MLPH-related condition.

Allele frequency attached by ClinVar (database versions not stated): ESP Exome Variant Server 0.00054; gnomAD exomes 0.00229 and 0.00981; gnomAD 0.00469 and 0.00485; TOPMed 0.00490; ExAC 0.00775; 1000 Genomes Project 0.00938; 1000 Genomes Project 30x 0.01062.
gnomAD v4.1: 4,043 of 1,613,430 alleles (0.25%); highest among the groups gnomAD compares: Admixed American, 5.8%; 146 homozygotes.

Submissions (3):

Labcorp Genetics (formerly Invitae), Labcorp
Classification: Benign. Last evaluated: 2026-01-12. Review status: criteria provided, single submitter. Criteria: Invitae Variant Classification Sherloc (09022015). Collection method: clinical testing. Allele origin: germline.

Breakthrough Genomics
Classification: Benign. Review status: criteria provided, single submitter. Criteria: ACMG Guidelines, 2015. Collection method: not provided. Allele origin: germline. Inheritance: Autosomal recessive inheritance. Affected: yes.

PreventionGenetics, part of Exact Sciences
Classification: Benign for MLPH-related condition. Last evaluated: 2019-09-30. Review status: no assertion criteria provided. Collection method: clinical testing. Allele origin: germline. Not counted in ClinVar's aggregate classification.
Comment: This variant is classified as benign based on ACMG/AMP sequence variant interpretation guidelines (Richards et al. 2015 PMID: 25741868, with internal and published modifications).